The following is an entry in ClinVar:

NM_172070.4(UBR3):c.2151+4_2151+5insAT

Gene: UBR3 (ubiquitin protein ligase E3 component n-recognin 3; plus strand). Cytogenetic location: 2q31.1.
Variant type: Insertion.
Coding change: c.2151+4_2151+5insAT on transcript NM_172070.4 (MANE Select); bases 4 to 5 of the intron after coding-DNA position 2151, AT inserted.
Molecular consequence: intron variant.
Genome position: GRCh38 VCF-style: chr2-169925751-A-AAT. GRCh37 (hg19) VCF-style: chr2-170782261-A-AAT.
Identifiers: ClinVar variation 3042299 (VCV003042299.2), dbSNP rs2529032089, ClinGen allele CA2740095863.

ClinVar aggregate classification (germline): Likely benign (0 of 4 stars; one submission).

Conditions:
UBR3-related disorder. Also called: UBR3-related condition.

Submission:

PreventionGenetics, part of Exact Sciences
Classification: Likely benign for UBR3-related condition. Last evaluated: 2019-08-14. Review status: no assertion criteria provided. Collection method: clinical testing. Allele origin: germline.
Comment: This variant is classified as likely benign based on ACMG/AMP sequence variant interpretation guidelines (Richards et al. 2015 PMID: 25741868, with internal and published modifications).